The following is an entry in ClinVar:

NM_000059.4(BRCA2):c.6727T>C (p.Ser2243Pro)

Gene: BRCA2 (BRCA2 DNA repair associated; plus strand). Cytogenetic location: 13q13.1.
Variant type: single nucleotide variant.
Coding change: c.6727T>C on transcript NM_000059.4 (MANE Select); coding-DNA position 6727, T replaced by C.
Protein change: p.Ser2243Pro; replaces serine 2243 with proline.
Molecular consequence: missense variant.
Genome position (GRCh38, 1-based): chr13:32,341,082, T>C. VCF-style: chr13-32341082-T-C. GRCh37 (hg19) VCF-style: chr13-32915219-T-C.
Other names: short protein forms S2243P.
Identifiers: ClinVar variation 482983 (VCV000482983.7), dbSNP rs1555284829, ClinGen allele CA387791060.
Genomic context (GRCh38, chr13:32,341,082, plus strand): 5'-TTTGAAACAGAAGCAGTAGAAATTGCTAAAGCTTTTATGGAAGATGATGAACTGACAGAT[T>C]CTAAACTGCCAAGTCATGCCACACATTCTCTTTTTACATGTCCCGAAAATGAGGAAATGG-3'
Protein context (NP_000050.3, residues 2233-2253): AFMEDDELTD[Ser2243Pro]KLPSHATHSL

ClinVar aggregate classification (germline): Conflicting classifications of pathogenicity. Review status: criteria provided, conflicting classifications (1 of 4 stars). 2 submissions from 2 submitters: Uncertain significance (1); Likely benign (1). Last evaluated 2023-03-23.

Conditions:
Hereditary cancer-predisposing syndrome. Also called: Neoplastic Syndromes, Hereditary; Tumor predisposition; Hereditary Cancer Syndrome; Hereditary neoplastic syndrome. Identifiers: Orphanet 140162, MedGen C0027672, MeSH D009386, MONDO:0015356.

Submissions (2):

University of Washington Department of Laboratory Medicine, University of Washington
Classification: Likely benign for Hereditary cancer-predisposing syndrome. Last evaluated: 2023-03-23. Review status: criteria provided, single submitter. Criteria: Dines et al. (Genet Med. 2020). Collection method: curation. Allele origin: germline.
Comment: Missense variant in a coldspot region where missense variants are very unlikely to be pathogenic (PMID:31911673).

BRCA2 exon 11 coldspot. Reclassification based on statistical prior probability.

Ambry Genetics
Classification: Uncertain significance for Hereditary cancer-predisposing syndrome. Last evaluated: 2017-06-14. Review status: criteria provided, single submitter. Criteria: Ambry Variant Classification Scheme 2023. Collection method: clinical testing. Allele origin: germline.
Comment: The p.S2243P variant (also known as c.6727T>C), located in coding exon 10 of the BRCA2 gene, results from a T to C substitution at nucleotide position 6727. The serine at codon 2243 is replaced by proline, an amino acid with similar properties. This amino acid position is well conserved in available vertebrate species. In addition, the in silico prediction for this alteration is inconclusive. Since supporting evidence is limited at this time, the clinical significance of this alteration remains unclear.